The following is an entry in ClinVar:

ClinVar aggregate classification (germline): Likely pathogenic. Review status: reviewed by expert panel (3 of 4 stars). 3 submissions from 3 submitters: Likely pathogenic (1). 2 of the submissions do not count toward it. Last evaluated 2024-08-12.

Conditions:
von Willebrand disease type 1 (VWD1). Also called: VWD, TYPE 1; VON WILLEBRAND DISEASE, TYPE I. Identifiers: Orphanet 166078, Orphanet 903, MedGen C1264039, MONDO:0008668, OMIM 193400. Inheritance: autosomal recessive or autosomal dominant.
Von Willebrand disease type 2B. Identifiers: Orphanet 166087, MedGen C1282971, MONDO:0015629.

Submissions (3):

ClinGen von Willebrand Disease Variant Curation Expert Panel, ClinGen
Classification: Likely pathogenic for Von Willebrand disease type 2B. Last evaluated: 2024-08-12. Review status: reviewed by expert panel. Criteria: ClinGen VWD 2A B M Rules. Collection method: curation. Allele origin: germline. Inheritance: Autosomal dominant inheritance.
Comment: The NM_000552.4(VWF):c.3929C>T (p.Ser1310Phe) missense variant has been identified in at least three unrelated patients, with phenotypes specific to VWD type 2B (PS4_moderate; PMIDs: 27978591, 8815591). At least 2 patients with this variant displayed excessive mucocutaneous bleeding as well as laboratory phenotypes of loss of high molecular weight multimers and a GP1b assay with enhanced low-dose RIPA showing gain of function, which together are highly specific for VWD type 2B (PP4_moderate; PMID: 27978591). The variant has been reported to segregate with VWD type 2M through 3 affected siblings from 1 family (PP1; PMID: 27978591). This variant is absent from gnomAD v4.1 (PM2_Supporting). The computational predictor REVEL gives a score of 0.937, which is above the ClinGen VWD VCEP threshold of >0.644 and predicts a damaging effect on VWF function (PP3). In summary, the variant meets the criteria to be classified as Likely Pathogenic for von Willebrand disease type 2B based on the ACMG/AMP criteria applied, as specified by the ClinGen VWD VCEP: PP1, PP3, PP4_moderate, PM2_supporting, and PS4_moderate.

Genomic Medicine Center of Excellence, King Faisal Specialist Hospital and Research Centre
Classification: Likely pathogenic for von Willebrand disease type 1. Last evaluated: 2025-09-10. Review status: criteria provided, single submitter. Criteria: ACMG Guidelines, 2015. Collection method: clinical testing. Allele origin: germline. Not counted in ClinVar's aggregate classification.

Academic Unit of Haematology, University of Sheffield
No classification provided. Review status: no classification provided. Collection method: not provided. Allele origin: not provided. Not counted in ClinVar's aggregate classification.

NM_000552.5(VWF):c.3929C>T (p.Ser1310Phe)

Gene: VWF (von Willebrand factor; minus strand). Cytogenetic location: 12p13.31.
Variant type: single nucleotide variant.
Coding change: c.3929C>T on transcript NM_000552.5 (MANE Select); coding-DNA position 3929, C replaced by T.
Protein change: p.Ser1310Phe; replaces serine 1310 with phenylalanine.
Molecular consequence: missense variant.
Genome position (GRCh38, 1-based): chr12:6,019,489, G>A on the plus strand (C>T on the coding strand, the complement: VWF is on the minus strand). VCF-style: chr12-6019489-G-A. GRCh37 (hg19) VCF-style: chr12-6128655-G-A.
Other names: NM_000552.4(VWF):c.3929C>T; p.Ser1310Phe; short protein forms S1310F.
Identifiers: ClinVar variation 100306 (VCV000100306.3), dbSNP rs61749390, ClinGen allele CA228494.